The following is an entry in ClinVar:

ClinVar aggregate classification (germline): Uncertain significance (1 of 4 stars; one submission).

gnomAD v4.1: 9 of 1,613,998 alleles (0.00056%); highest among the groups gnomAD compares: Non-Finnish European, 0.00076%; no homozygotes.

Submission:

Labcorp Genetics (formerly Invitae), Labcorp
Classification: Uncertain significance. Last evaluated: 2025-01-30. Review status: criteria provided, single submitter. Criteria: Invitae Variant Classification Sherloc (09022015). Collection method: clinical testing. Allele origin: germline.
Comment: This sequence change replaces glycine, which is neutral and non-polar, with serine, which is neutral and polar, at codon 1263 of the C3 protein (p.Gly1263Ser). The frequency data for this variant in the population databases is considered unreliable, as metrics indicate poor data quality at this position in the gnomAD database. This variant has not been reported in the literature in individuals affected with C3-related conditions. Invitae Evidence Modeling of protein sequence and biophysical properties (such as structural, functional, and spatial information, amino acid conservation, physicochemical variation, residue mobility, and thermodynamic stability) indicates that this missense variant is not expected to disrupt C3 protein function with a negative predictive value of 80%. In summary, the available evidence is currently insufficient to determine the role of this variant in disease. Therefore, it has been classified as a Variant of Uncertain Significance.

NM_000064.4(C3):c.3787G>A (p.Gly1263Ser)

Gene: C3 (complement C3; minus strand). Cytogenetic location: 19p13.3.
Variant type: single nucleotide variant.
Coding change: c.3787G>A on transcript NM_000064.4 (MANE Select); coding-DNA position 3787, G replaced by A.
Protein change: p.Gly1263Ser; replaces glycine 1263 with serine.
Molecular consequence: missense variant.
Genome position (GRCh38, 1-based): chr19:6,686,147, C>T on the plus strand (G>A on the coding strand, the complement: C3 is on the minus strand). VCF-style: chr19-6686147-C-T. GRCh37 (hg19) VCF-style: chr19-6686158-C-T.
Other names: short protein forms G1263S.
Identifiers: ClinVar variation 3604181 (VCV003604181.2).
Genomic context (GRCh38, chr19:6,686,147, plus strand): 5'-AGGGATGCATGTGCCTAGGGGCTGTGGGCCCACTTGCCTGGGTAGAGCCATAGCCACCAC[C>T]GTAGTATCTCTGTTCATTGAGCCAACGCACGACGGGAGGCACAAAGTCAAAGTCTTTTAG-3'
Protein context (NP_000055.2, residues 1253-1273): VRWLNEQRYY[Gly1263Ser]GGYGSTQATF